The following is an entry in ClinVar:

ClinVar aggregate classification (germline): Uncertain significance (1 of 4 stars; one submission).

Submission:

Labcorp Genetics (formerly Invitae), Labcorp
Classification: Uncertain significance. Last evaluated: 2024-07-17. Review status: criteria provided, single submitter. Criteria: Invitae Variant Classification Sherloc (09022015). Collection method: clinical testing. Allele origin: germline.
Comment: This variant, c.53_61dup, results in the insertion of 3 amino acid(s) of the ITGB3 protein (p.Gly18_Leu20dup), but otherwise preserves the integrity of the reading frame. This variant is present in population databases (rs775716749, gnomAD 0.003%). This variant has not been reported in the literature in individuals affected with ITGB3-related conditions. In summary, the available evidence is currently insufficient to determine the role of this variant in disease. Therefore, it has been classified as a Variant of Uncertain Significance.

NM_000212.3(ITGB3):c.53_61dup (p.Leu20_Ala21insGlyAlaLeu)

Gene: ITGB3 (integrin subunit beta 3; plus strand). Cytogenetic location: 17q21.32.
Variant type: Duplication.
Coding change: c.53_61dup on transcript NM_000212.3 (MANE Select); coding-DNA positions 53 to 61, 9 bases duplicated (GGGCGCTGG; older notation c.53_61dupGGGCGCTGG).
Protein change: p.Leu20_Ala21insGlyAlaLeu.
Genome position (GRCh38, 1-based): chr17:47,253,914-47,253,922, GGGCGCTGG duplicated; duplicating any 9 consecutive bases within chr17:47,253,906-47,253,922 gives the same sequence; the c. name uses the placement nearest the transcript's 3' end. VCF-style (leftmost placement, unchanged base first): chr17-47253905-T-TGGCGCTGGG. GRCh37 (hg19) VCF-style: chr17-45331271-T-TGGCGCTGGG.
Identifiers: ClinVar variation 3721054 (VCV003721054.2).